The following is an entry in ClinVar:

NM_000237.3(LPL):c.796del (p.Cys266fs)

Gene: LPL (lipoprotein lipase; plus strand). Cytogenetic location: 8p21.3.
Variant type: Deletion.
Coding change: c.796del on transcript NM_000237.3 (MANE Select); coding-DNA position 796, one base deleted (T; older notation c.796delT).
Protein change: p.Cys266fs; shifts the reading frame from cysteine 266.
Molecular consequence: frameshift variant.
Genome position (GRCh38, 1-based): chr8:19,955,861, T deleted. VCF-style (leftmost placement, unchanged base first): chr8-19955860-GT-G. GRCh37 (hg19) VCF-style: chr8-19813371-GT-G.
Other names: short protein forms C266fs.
Identifiers: ClinVar variation 4817964 (VCV004817964.1).

ClinVar aggregate classification (germline): Likely pathogenic (1 of 4 stars; one submission).

Conditions:
Hyperlipoproteinemia, type I. Also called: HYPERLIPOPROTEINEMIA, TYPE IA; LPL DEFICIENCY; Hyperlipoproteinemia type 1; Hyperchylomicro-nemia familial; Familial chylomicronemia; Hyperlipemia idiopathic Burger-Grutz type. Identifiers: Orphanet 309015, Orphanet 444490, MedGen C0023817, MONDO:0009387, OMIM 238600. Disease mechanism: loss of function.

Submission:

Natera, Inc.
Classification: Likely pathogenic for Lipoprotein lipase deficiency. Last evaluated: 2024-12-18. Review status: criteria provided, single submitter. Criteria: Natera Variant Classification Schema (03/2026). Collection method: clinical testing. Allele origin: germline.
Comment: The c.796del variant in LPL is a frameshift variant predicted to shift the reading frame beginning at codon 266 and leads to a stop codon 15 codons downstream. This variant is expected to result in nonsense mediated decay, truncation, or a dysfunctional protein product. This variant is rare in the general population with a frequency below the threshold expected for the associated phenotype(s). Given the available evidence, this variant is classified as Likely Pathogenic.